The following is an entry in ClinVar:

ClinVar aggregate classification (germline): Uncertain significance (1 of 4 stars; one submission).

Conditions:
Inborn genetic diseases. Identifiers: MedGen C0950123, MeSH D030342.

gnomAD v4.1: 3 of 1,610,936 alleles (0.00019%); highest among the groups gnomAD compares: Non-Finnish European, 0.00025%; no homozygotes.

Submission:

Ambry Genetics
Classification: Uncertain significance for Inborn genetic diseases. Last evaluated: 2018-02-28. Review status: criteria provided, single submitter. Criteria: Ambry Variant Classification Scheme 2023. Collection method: clinical testing. Allele origin: germline.
Comment: The p.P450L variant (also known as c.1349C>T), located in coding exon 6 of the TBC1D24 gene, results from a C to T substitution at nucleotide position 1349. The proline at codon 450 is replaced by leucine, an amino acid with similar properties. This amino acid position is highly conserved in available vertebrate species. In addition, the in silico prediction for this alteration is inconclusive. Since supporting evidence is limited at this time, the clinical significance of this alteration remains unclear.

NM_001199107.2(TBC1D24):c.1349C>T (p.Pro450Leu)

Gene: TBC1D24 (TBC1 domain family member 24; plus strand). Cytogenetic location: 16p13.3.
Variant type: single nucleotide variant.
Coding change: c.1349C>T on transcript NM_001199107.2 (MANE Select); coding-DNA position 1349, C replaced by T.
Protein change: p.Pro450Leu; replaces proline 450 with leucine.
Molecular consequence: missense variant.
Genome position (GRCh38, 1-based): chr16:2,500,314, C>T. VCF-style: chr16-2500314-C-T. GRCh37 (hg19) VCF-style: chr16-2550315-C-T.
Other names: c.1331C>T, p.Pro444Leu (NM_020705.3); short protein forms P444L, P450L.
Identifiers: ClinVar variation 1770546 (VCV001770546.2), dbSNP rs2505526429, ClinGen allele CA394380615.